The following is an entry in ClinVar:

ClinVar aggregate classification (germline): Uncertain significance (1 of 4 stars; one submission).

Conditions:
Lipoic acid synthetase deficiency. Also called: HYPERGLYCINEMIA, LACTIC ACIDOSIS, AND SEIZURES. Identifiers: Orphanet 401859, MedGen C3280887, MONDO:0013762, OMIM 614462.

Submission:

Labcorp Genetics (formerly Invitae), Labcorp
Classification: Uncertain significance for Lipoic acid synthetase deficiency. Last evaluated: 2023-10-03. Review status: criteria provided, single submitter. Criteria: Invitae Variant Classification Sherloc (09022015). Collection method: clinical testing. Allele origin: germline.
Comment: This sequence change replaces glutamine, which is neutral and polar, with arginine, which is basic and polar, at codon 257 of the LIAS protein (p.Gln257Arg). This variant is not present in population databases (gnomAD no frequency). This variant has not been reported in the literature in individuals affected with LIAS-related conditions. ClinVar contains an entry for this variant (Variation ID: 2002454). Advanced modeling of protein sequence and biophysical properties (such as structural, functional, and spatial information, amino acid conservation, physicochemical variation, residue mobility, and thermodynamic stability) has been performed at Invitae for this missense variant, however the output from this modeling did not meet the statistical confidence thresholds required to predict the impact of this variant on LIAS protein function. In summary, the available evidence is currently insufficient to determine the role of this variant in disease. Therefore, it has been classified as a Variant of Uncertain Significance.

NM_006859.4(LIAS):c.770A>G (p.Gln257Arg)

Gene: LIAS (lipoic acid synthetase; plus strand). Cytogenetic location: 4p14.
Variant type: single nucleotide variant.
Coding change: c.770A>G on transcript NM_006859.4 (MANE Select); coding-DNA position 770, A replaced by G.
Protein change: p.Gln257Arg; replaces glutamine 257 with arginine.
Molecular consequence: missense variant.
Genome position (GRCh38, 1-based): chr4:39,470,051, A>G. VCF-style: chr4-39470051-A-G. GRCh37 (hg19) VCF-style: chr4-39471671-A-G.
Other names: c.641A>G, p.Gln214Arg (NM_001278590.2); c.461A>G, p.Gln154Arg (NM_001363700.2); c.770A>G, p.Gln257Arg (NM_194451.3); short protein forms Q154R, Q214R, Q257R.
Identifiers: ClinVar variation 2002454 (VCV002002454.4), dbSNP rs1578241808, ClinGen allele CA356665190.